The following is an entry in ClinVar:

ClinVar aggregate classification (germline): Pathogenic (1 of 4 stars; one submission).

Conditions:
Fumarase deficiency (FMRD). Also called: Fumarate Hydratase Deficiency; Fumaric aciduria. Identifiers: Orphanet 24, MedGen C0342770, MONDO:0011730, OMIM 606812.

Submission:

Labcorp Genetics (formerly Invitae), Labcorp
Classification: Pathogenic for Fumarase deficiency. Last evaluated: 2019-12-30. Review status: criteria provided, single submitter. Criteria: Invitae Variant Classification Sherloc (09022015). Collection method: clinical testing. Allele origin: germline.
Comment: A gross deletion of the genomic region encompassing the full coding sequence of the FH gene has been identified. The boundaries of this event are unknown as the deletion extends beyond the assayed region for this gene and therefore may encompass additional genes. This variant has been observed in several families affected with hereditary leiomyomatosis and renal cell carcinoma (HLRCC) syndrome (PMID: 11865300, 28300276, 21398687, 12761039) and in a family affected with fumarate deficiency (PMID: 22069215). Loss-of-function variants in FH are known to be pathogenic (PMID: 11865300, 21398687). For these reasons, this variant has been classified as Pathogenic.

Literature cited by the submitters: PubMed 22069215; PubMed 28300276; PubMed 12761039; PubMed 11865300; PubMed 21398687.

NC_000001.10:g.(?_241661108)_(242431558_?)del

Genes: CHML (CHM like Rab escort protein; minus strand), EXO1 (exonuclease 1; plus strand), FH (fumarate hydratase; minus strand), KMO (kynurenine 3-monooxygenase; plus strand), MAP1LC3C (microtubule associated protein 1 light chain 3 gamma; minus strand) and 3 more. Cytogenetic location: 1q43.
Variant type: Deletion.
Identifiers: ClinVar variation 831714 (VCV000831714.1).